The following is an entry in ClinVar:

ClinVar aggregate classification (germline): Uncertain significance. Review status: criteria provided, multiple submitters, no conflicts (2 of 4 stars). 2 submissions from 2 submitters: Uncertain significance (2). Last evaluated 2025-05-04.

Conditions:
Inborn genetic diseases. Identifiers: MedGen C0950123, MeSH D030342.

Allele frequency attached by ClinVar (database versions not stated): ESP Exome Variant Server 0.00008.
gnomAD v4.1: 16 of 1,614,066 alleles (0.00099%); highest among the groups gnomAD compares: African/African-American, 0.0093%; no homozygotes.

Submissions (2):

Ambry Genetics
Classification: Uncertain significance for Inborn genetic diseases. Last evaluated: 2025-05-04. Review status: criteria provided, single submitter. Criteria: Ambry Variant Classification Scheme 2023. Collection method: clinical testing. Allele origin: germline.

Labcorp Genetics (formerly Invitae), Labcorp
Classification: Uncertain significance. Last evaluated: 2023-10-05. Review status: criteria provided, single submitter. Criteria: Invitae Variant Classification Sherloc (09022015). Collection method: clinical testing. Allele origin: germline.
Comment: This sequence change replaces arginine, which is basic and polar, with leucine, which is neutral and non-polar, at codon 67 of the SLC25A38 protein (p.Arg67Leu). This variant is present in population databases (rs139604640, gnomAD 0.01%). This variant has not been reported in the literature in individuals affected with SLC25A38-related conditions. Advanced modeling of protein sequence and biophysical properties (such as structural, functional, and spatial information, amino acid conservation, physicochemical variation, residue mobility, and thermodynamic stability) performed at Invitae indicates that this missense variant is not expected to disrupt SLC25A38 protein function. In summary, the available evidence is currently insufficient to determine the role of this variant in disease. Therefore, it has been classified as a Variant of Uncertain Significance.

NM_017875.4(SLC25A38):c.200G>T (p.Arg67Leu)

Gene: SLC25A38 (solute carrier family 25 member 38; plus strand). Cytogenetic location: 3p22.1.
Variant type: single nucleotide variant.
Coding change: c.200G>T on transcript NM_017875.4 (MANE Select); coding-DNA position 200, G replaced by T.
Protein change: p.Arg67Leu; replaces arginine 67 with leucine.
Molecular consequence: missense variant.
Genome position (GRCh38, 1-based): chr3:39,390,431, G>T. VCF-style: chr3-39390431-G-T. GRCh37 (hg19) VCF-style: chr3-39431922-G-T.
Other names: c.200G>T, p.Arg67Leu (NM_001354798.2); c.200G>T (NM_017875.2); short protein forms R67L.
Identifiers: ClinVar variation 2783469 (VCV002783469.2), dbSNP rs139604640, ClinGen allele CA2327389.